The following is an entry in ClinVar:

NM_000372.5(TYR):c.1036+2T>G

Gene: TYR (tyrosinase; plus strand). Cytogenetic location: 11q14.3.
Variant type: single nucleotide variant.
Coding change: c.1036+2T>G on transcript NM_000372.5 (MANE Select); the canonical splice donor site of the intron after coding-DNA position 1036, T replaced by G.
Molecular consequence: splice donor variant.
Genome position (GRCh38, 1-based): chr11:89,191,420, T>G. VCF-style: chr11-89191420-T-G. GRCh37 (hg19) VCF-style: chr11-88924588-T-G.
Identifiers: ClinVar variation 1458013 (VCV001458013.10), dbSNP rs750894109, ClinGen allele CA6221287.

ClinVar aggregate classification (germline): Pathogenic. Review status: criteria provided, multiple submitters, no conflicts (2 of 4 stars). 5 submissions from 5 submitters: Pathogenic (5). Last evaluated 2026-04-07.

Conditions:
Oculocutaneous albinism type 1. Also called: Albinism 1; ALBINISM I. Identifiers: Orphanet 352731, MedGen C0268494, MONDO:0018135. Disease mechanism: loss of function.
Oculocutaneous albinism type 1A (OCA1A). Also called: Albinism, oculocutaneous, type IA. Identifiers: Orphanet 352731, Orphanet 79431, MedGen C4551504, MONDO:0008745, OMIM 203100. Disease mechanism: loss of function.

Allele frequency attached by ClinVar (database versions not stated): gnomAD exomes below 0.00001; ExAC 0.00001.
gnomAD v4.1: 3 of 1,612,428 alleles (0.00019%); highest among the groups gnomAD compares: Admixed American, 0.0033%; no homozygotes.

Submissions (5):

Myriad Genetics, Inc.
Classification: Pathogenic for Oculocutaneous albinism type 1. Last evaluated: 2026-04-07. Review status: criteria provided, single submitter. Criteria: Myriad Autosomal Dominant, Autosomal Recessive and X-Linked Classification Criteria (2023). Collection method: clinical testing. Allele origin: unknown.
Comment: NM_000372.4(TYR):c.1036+2T>G is a variant in a canonical splice site classified as pathogenic in the context of oculocutaneous albinism, TYR-related. c.1036+2T>G has been observed in cases with relevant disease (PMID: 13680365, 28451379, 38219857). Relevant functional assessments of this variant are not available in the literature. c.1036+2T>G has been observed in referenced population frequency databases. In summary, NM_000372.4(TYR):c.1036+2T>G is a variant in a canonical splice site in a gene where loss of function is a known mechanism of disease, is predicted to disrupt protein function, and has been observed more frequently in cases with the relevant disease than in healthy populations. Please note: this variant was assessed in the context of healthy population screening.

Dasa
Classification: Pathogenic. Last evaluated: 2025-08-22. Review status: criteria provided, single submitter. Criteria: DASA Assertion Criteria. Collection method: clinical testing. Allele origin: germline.
Comment: NM_000372.5(TYR):c.1036+2T>G introduces a premature termination codon predicted to result in loss of normal protein function. Loss-of-function is an established mechanism of disease for this gene. This variant has been observed in affected individuals with related phenotype in a genotype context consistent with recessive disease (PMID: 28451379). This variant has been reported in individuals with related phenotype (PMID: 28451379). The variant is present at low frequency in population datasets. Based on the available data, this variant is classified as pathogenic.

Labcorp Genetics (formerly Invitae), Labcorp
Classification: Pathogenic. Last evaluated: 2025-04-16. Review status: criteria provided, single submitter. Criteria: Invitae Variant Classification Sherloc (09022015). Collection method: clinical testing. Allele origin: germline.
Comment: This sequence change affects a donor splice site in intron 2 of the TYR gene. It is expected to disrupt RNA splicing. Variants that disrupt the donor or acceptor splice site typically lead to a loss of protein function (PMID: 16199547), and loss-of-function variants in TYR are known to be pathogenic (PMID: 23504663). The frequency data for this variant in the population databases is considered unreliable, as metrics indicate poor data quality at this position in the gnomAD database. Disruption of this splice site has been observed in individual(s) with oculocutaneous albinism (PMID: 13680365). In at least one individual the data is consistent with being in trans (on the opposite chromosome) from a pathogenic variant. ClinVar contains an entry for this variant (Variation ID: 1458013). Algorithms developed to predict the effect of sequence changes on RNA splicing suggest that this variant may disrupt the consensus splice site. For these reasons, this variant has been classified as Pathogenic.

GeneDx
Classification: Pathogenic. Last evaluated: 2024-12-18. Review status: criteria provided, single submitter. Criteria: GeneDx Variant Classification Process June 2021. Collection method: clinical testing. Allele origin: germline. Affected: yes.
Comment: Not observed at significant frequency in large population cohorts (gnomAD); Canonical splice site variant predicted to result in a null allele in a gene for which loss of function is a known mechanism of disease; This variant is associated with the following publications: (PMID: 25525159, 38219857, 28451379, 13680365)

3billion
Classification: Pathogenic for Oculocutaneous albinism type 1A. Last evaluated: 2023-12-09. Review status: criteria provided, single submitter. Criteria: ACMG Guidelines, 2015. Collection method: clinical testing. Allele origin: germline. Affected: yes.
Comment: The variant is observed at an extremely low frequency in the gnomAD v2.1.1 dataset (total allele frequency: <0.001%). Predicted Consequence/Location: Canonical splice site: predicted to alter splicing and result in a loss or disruption of normal protein function. Multiple pathogenic loss-of-function variants are reported downstream of the variant. In silico tools predict the variant to alter splicing and produce an abnormal transcript [Splice AI: 0.97 (spliceogenicity >=0.2, non-spliceogenicity <0.1)]. The variant has been reported to be associated with TYR-related disorder (ClinVar ID: VCV001458013 /PMID: 13680365). Therefore, this variant is classified as Pathogenic according to the recommendation of ACMG/AMP guideline.

Literature cited by the submitters: PubMed 13680365 (cited by 3 submitters); PubMed 28451379 (cited by Myriad Genetics, Inc. and Dasa); PubMed 38219857 (cited by Myriad Genetics, Inc.); PubMed 16199547 (cited by Labcorp Genetics (formerly Invitae), Labcorp); PubMed 23504663 (cited by Labcorp Genetics (formerly Invitae), Labcorp).